The following is an entry in ClinVar:

ClinVar aggregate classification (germline): Benign. Review status: criteria provided, multiple submitters, no conflicts (2 of 4 stars). 2 submissions from 2 submitters: Benign (2). Last evaluated 2018-06-19.

Allele frequency attached by ClinVar (database versions not stated): 1000 Genomes Project 30x 0.77405; 1000 Genomes Project 0.77436; TOPMed 0.83238; gnomAD 0.84532 and 0.84286.

Submissions (2):

GeneDx
Classification: Benign. Last evaluated: 2018-06-19. Review status: criteria provided, single submitter. Criteria: GeneDx Variant Classification (06012015). Collection method: clinical testing. Allele origin: germline. Affected: yes.
Comment: This variant is considered likely benign or benign based on one or more of the following criteria: it is a conservative change, it occurs at a poorly conserved position in the protein, it is predicted to be benign by multiple in silico algorithms, and/or has population frequency not consistent with disease.

Breakthrough Genomics
Classification: Benign. Review status: criteria provided, single submitter. Criteria: ACMG Guidelines, 2015. Collection method: not provided. Allele origin: germline. Inheritance: Unknown mechanism. Affected: yes.

NM_015141.3(GPD1L):c.-291G>A

Genes: GPD1L (glycerol-3-phosphate dehydrogenase 1 like; plus strand), LOC129936414 (ATAC-STARR-seq lymphoblastoid silent region 14165; plus strand). Cytogenetic location: 3p22.3.
Variant type: single nucleotide variant.
Coding change: c.-291G>A on transcript NM_015141.3; 291 bases upstream of the start codon, G replaced by A.
Genome position (GRCh38, 1-based): chr3:32,106,421, G>A. VCF-style: chr3-32106421-G-A. GRCh37 (hg19) VCF-style: chr3-32147913-G-A.
Identifiers: ClinVar variation 683540 (VCV000683540.4), dbSNP rs13095243, ClinGen allele CA11356779.